The following is an entry in ClinVar:

ClinVar aggregate classification (germline): Uncertain significance. Review status: criteria provided, multiple submitters, no conflicts (2 of 4 stars). 2 submissions from 2 submitters: Uncertain significance (2). Last evaluated 2025-05-12.

Conditions:
Hypertrophic cardiomyopathy. Also called: HYPERTROPHIC MYOCARDIOPATHY. Identifiers: Orphanet 217569, MedGen C0007194, MeSH D002312, MONDO:0005045, HP:0001639.

Allele frequency attached by ClinVar (database versions not stated): gnomAD exomes below 0.00001.
gnomAD v4.1: 1 of 1,596,620 alleles (0.000063%); highest among the groups gnomAD compares: Admixed American, 0.0017%; no homozygotes.

Submissions (2):

GeneDx
Classification: Uncertain significance. Last evaluated: 2025-05-12. Review status: criteria provided, single submitter. Criteria: GeneDx Variant Classification Process June 2021. Collection method: clinical testing. Allele origin: germline. Affected: yes.
Comment: Not observed at significant frequency in large population cohorts (gnomAD); In silico analysis suggests that this missense variant does not alter protein structure/function; Has not been previously published as pathogenic or benign to our knowledge

Labcorp Genetics (formerly Invitae), Labcorp
Classification: Uncertain significance for Hypertrophic cardiomyopathy. Last evaluated: 2022-11-25. Review status: criteria provided, single submitter. Criteria: Invitae Variant Classification Sherloc (09022015). Collection method: clinical testing. Allele origin: germline.
Comment: In summary, the available evidence is currently insufficient to determine the role of this variant in disease. Therefore, it has been classified as a Variant of Uncertain Significance. This sequence change replaces proline, which is neutral and non-polar, with alanine, which is neutral and non-polar, at codon 308 of the MYBPC3 protein (p.Pro308Ala). This variant is not present in population databases (gnomAD no frequency). This variant has not been reported in the literature in individuals affected with MYBPC3-related conditions. Algorithms developed to predict the effect of missense changes on protein structure and function (SIFT, PolyPhen-2, Align-GVGD) all suggest that this variant is likely to be tolerated.

NM_000256.3(MYBPC3):c.922C>G (p.Pro308Ala)

Gene: MYBPC3 (myosin binding protein C3; minus strand). Cytogenetic location: 11p11.2.
Variant type: single nucleotide variant.
Coding change: c.922C>G on transcript NM_000256.3 (MANE Select); coding-DNA position 922, C replaced by G.
Protein change: p.Pro308Ala; replaces proline 308 with alanine.
Molecular consequence: missense variant.
Genome position (GRCh38, 1-based): chr11:47,346,631, G>C on the plus strand (C>G on the coding strand, the complement: MYBPC3 is on the minus strand). VCF-style: chr11-47346631-G-C. GRCh37 (hg19) VCF-style: chr11-47368182-G-C.
Other names: short protein forms P308A.
Identifiers: ClinVar variation 3014821 (VCV003014821.4), dbSNP rs1565629496, ClinGen allele CA380332881.